The following is an entry in ClinVar:

ClinVar aggregate classification (germline): Uncertain significance (1 of 4 stars; one submission).

Conditions:
Phenylketonuria (PKU). Also called: OLIGOPHRENIA PHENYLPYRUVICA; Phenylketonurias; Phenylketonuria (PKU); FOLLING DISEASE. Identifiers: Orphanet 716, MedGen C0031485, MONDO:0009861, OMIM 261600. Disease mechanism: loss of function.

Allele frequency attached by ClinVar (database versions not stated): gnomAD 0.00001; TOPMed 0.00002; gnomAD exomes 0.00005 and 0.00001; ExAC 0.00007.
gnomAD v4.1: 16 of 1,596,970 alleles (0.001%); highest among the groups gnomAD compares: Admixed American, 0.027%; no homozygotes.

Submission:

Labcorp Genetics (formerly Invitae), Labcorp
Classification: Uncertain significance for Phenylketonuria. Last evaluated: 2024-12-03. Review status: criteria provided, single submitter. Criteria: Invitae Variant Classification Sherloc (09022015). Collection method: clinical testing. Allele origin: germline.
Comment: This sequence change replaces glutamic acid, which is acidic and polar, with aspartic acid, which is acidic and polar, at codon 21 of the PAH protein (p.Glu21Asp). This variant is present in population databases (rs753466976, gnomAD 0.04%). This variant has not been reported in the literature in individuals affected with PAH-related conditions. ClinVar contains an entry for this variant (Variation ID: 1402572). An algorithm developed to predict the effect of missense changes on protein structure and function (PolyPhen-2) suggests that this variant¬†is likely to be tolerated. In summary, the available evidence is currently insufficient to determine the role of this variant in disease. Therefore, it has been classified as a Variant of Uncertain Significance.

NM_000277.3(PAH):c.63A>C (p.Glu21Asp)

Gene: PAH (phenylalanine hydroxylase; minus strand). Cytogenetic location: 12q23.2.
Variant type: single nucleotide variant.
Coding change: c.63A>C on transcript NM_000277.3 (MANE Select); coding-DNA position 63, A replaced by C.
Protein change: p.Glu21Asp; replaces glutamic acid 21 with aspartic acid.
Molecular consequence: missense variant.
Genome position (GRCh38, 1-based): chr12:102,912,896, T>G on the plus strand (A>C on the coding strand, the complement: PAH is on the minus strand). VCF-style: chr12-102912896-T-G. GRCh37 (hg19) VCF-style: chr12-103306674-T-G.
Other names: c.63A>C, p.Glu21Asp (NM_001354304.2); short protein forms E21D.
Identifiers: ClinVar variation 1402572 (VCV001402572.7), dbSNP rs753466976, ClinGen allele CA6749050.